The following is an entry in ClinVar:

ClinVar aggregate classification (germline): Uncertain significance. Review status: criteria provided, multiple submitters, no conflicts (2 of 4 stars). 2 submissions from 2 submitters: Uncertain significance (2). Last evaluated 2024-07-10.

Conditions:
Catecholaminergic polymorphic ventricular tachycardia (CVPT). Also called: Catecholamine-induced polymorphic ventricular tachycardia. Identifiers: Orphanet 3286, MedGen C5574922, MONDO:0017990.
Catecholaminergic polymorphic ventricular tachycardia 1. Also called: RYR2-Related Catecholaminergic Polymorphic Ventricular Tachycardia; VENTRICULAR TACHYCARDIA, STRESS-INDUCED POLYMORPHIC 1; VENTRICULAR TACHYCARDIA, CATECHOLAMINERGIC POLYMORPHIC, 1, WITH OR WITHOUT ATRIAL DYSFUNCTION AND/OR DILATED CARDIOMYOPATHY. Identifiers: Orphanet 3286, MedGen C1631597, MONDO:0011484, OMIM 604772.

Allele frequency attached by ClinVar (database versions not stated): gnomAD exomes below 0.00001.
gnomAD v4.1: 7 of 1,613,244 alleles (0.00043%); highest among the groups gnomAD compares: Middle Eastern, 0.05%; no homozygotes.

Submissions (2):

All of Us Research Program, National Institutes of Health
Classification: Uncertain significance for Catecholaminergic polymorphic ventricular tachycardia. Last evaluated: 2024-07-10. Review status: criteria provided, single submitter. Criteria: ACMG Guidelines, 2015. Collection method: clinical testing. Allele origin: germline. Inheritance: Autosomal dominant inheritance. Observed: 1 variant allele, 1 heterozygote.
Comment: This missense variant replaces lysine with arginine at codon 3325 of the RYR2 protein. Computational prediction suggests that this variant may not impact protein structure and function (internally defined REVEL score threshold <= 0.5, PMID: 27666373). To our knowledge, functional studies have not been reported for this variant. This variant has been reported in an individual affected with arrhythmogenic cardiomyopathy (PMID: 30453078) and in another individual affected with Brugada syndrome (PMID: 30847666). This variant has been identified in 1/247662 chromosomes in the general population by the Genome Aggregation Database (gnomAD). The available evidence is insufficient to determine the role of this variant in disease conclusively. Therefore, this variant is classified as a Variant of Uncertain Significance.

This study involves interpretation of variants in research participants for the purpose of population health screening. Participant phenotype was not available at the time of variant classification. Additional details can be found in publication PMID: 35346344, PMCID: PMC8962531

Labcorp Genetics (formerly Invitae), Labcorp
Classification: Uncertain significance for Catecholaminergic polymorphic ventricular tachycardia 1. Last evaluated: 2021-09-26. Review status: criteria provided, single submitter. Criteria: Invitae Variant Classification Sherloc (09022015). Collection method: clinical testing. Allele origin: germline.
Comment: In summary, the available evidence is currently insufficient to determine the role of this variant in disease. Therefore, it has been classified as a Variant of Uncertain Significance. Algorithms developed to predict the effect of missense changes on protein structure and function (SIFT, PolyPhen-2, Align-GVGD) all suggest that this variant is likely to be disruptive. This missense change has been observed in individual(s) with arrhythmogenic cardiomyopathy (PMID: 30453078). This variant is not present in population databases (ExAC no frequency). This sequence change replaces lysine with arginine at codon 3325 of the RYR2 protein (p.Lys3325Arg). The lysine residue is highly conserved and there is a small physicochemical difference between lysine and arginine.

Literature cited by the submitters: PubMed 30453078 (cited by All of Us Research Program, National Institutes of Health and Labcorp Genetics (formerly Invitae), Labcorp); PubMed 30847666 (cited by All of Us Research Program, National Institutes of Health).

NM_001035.3(RYR2):c.9974A>G (p.Lys3325Arg)

Gene: RYR2 (ryanodine receptor 2; plus strand). Cytogenetic location: 1q43.
Variant type: single nucleotide variant.
Coding change: c.9974A>G on transcript NM_001035.3 (MANE Select); coding-DNA position 9974, A replaced by G.
Protein change: p.Lys3325Arg; replaces lysine 3325 with arginine.
Molecular consequence: missense variant.
Genome position (GRCh38, 1-based): chr1:237,708,930, A>G. VCF-style: chr1-237708930-A-G. GRCh37 (hg19) VCF-style: chr1-237872230-A-G.
Other names: short protein forms K3325R.
Identifiers: ClinVar variation 1466880 (VCV001466880.8), dbSNP rs1427986585, ClinGen allele CA077068.